The following is an entry in ClinVar:

ClinVar aggregate classification (germline): Uncertain significance. Review status: criteria provided, multiple submitters, no conflicts (2 of 4 stars). 2 submissions from 2 submitters: Uncertain significance (2). Last evaluated 2025-02-25.

Conditions:
Inborn genetic diseases. Identifiers: MedGen C0950123, MeSH D030342.

gnomAD v4.1: 1 of 1,614,184 alleles (0.000062%); highest among the groups gnomAD compares: Middle Eastern, 0.016%; no homozygotes.

Submissions (2):

Ambry Genetics
Classification: Uncertain significance for Inborn genetic diseases. Last evaluated: 2025-02-25. Review status: criteria provided, single submitter. Criteria: Ambry Variant Classification Scheme 2023. Collection method: clinical testing. Allele origin: germline.

Labcorp Genetics (formerly Invitae), Labcorp
Classification: Uncertain significance. Last evaluated: 2024-06-04. Review status: criteria provided, single submitter. Criteria: Invitae Variant Classification Sherloc (09022015). Collection method: clinical testing. Allele origin: germline.
Comment: This sequence change replaces threonine, which is neutral and polar, with alanine, which is neutral and non-polar, at codon 754 of the ASXL1 protein (p.Thr754Ala). This variant is not present in population databases (gnomAD no frequency). This variant has not been reported in the literature in individuals affected with ASXL1-related conditions. An algorithm developed to predict the effect of missense changes on protein structure and function (PolyPhen-2) suggests that this variant is likely to be tolerated. In summary, the available evidence is currently insufficient to determine the role of this variant in disease. Therefore, it has been classified as a Variant of Uncertain Significance.

NM_015338.6(ASXL1):c.2260A>G (p.Thr754Ala)

Gene: ASXL1 (ASXL transcriptional regulator 1; plus strand). Cytogenetic location: 20q11.21.
Variant type: single nucleotide variant.
Coding change: c.2260A>G on transcript NM_015338.6 (MANE Select); coding-DNA position 2260, A replaced by G.
Protein change: p.Thr754Ala; replaces threonine 754 with alanine.
Molecular consequence: missense variant.
Genome position (GRCh38, 1-based): chr20:32,434,972, A>G. VCF-style: chr20-32434972-A-G. GRCh37 (hg19) VCF-style: chr20-31022775-A-G.
Other names: c.2077A>G, p.Thr693Ala (NM_001363734.1); short protein forms T754A, T693A.
Identifiers: ClinVar variation 2720794 (VCV002720794.4), dbSNP rs749566656, ClinGen allele CA408559439.
Genomic context (GRCh38, chr20:32,434,972, plus strand): 5'-AGGGCTACAGTTGGACTCACAGATGGGCTAGGAGATGCCTCCCAACTCCCCGTTGCTCCC[A>G]CTGGGGACCAGCCATGCCAGGCCTTGCCCCTACTGTCCTCCCAAACCTCAGTAGCTGAGA-3'
Protein context (NP_056153.2, residues 744-764): GDASQLPVAP[Thr754Ala]GDQPCQALPL